The following is an entry in ClinVar:

ClinVar aggregate classification (germline): Uncertain significance (0 of 4 stars; one submission).

Conditions:
CASK-related disorder. Also called: CASK-related disorders; CASK-related condition.

Submission:

PreventionGenetics, part of Exact Sciences
Classification: Uncertain significance for CASK-related condition. Last evaluated: 2024-06-14. Review status: no assertion criteria provided. Collection method: clinical testing. Allele origin: germline.
Comment: The CASK c.2614_2616delAAG variant is predicted to result in an in-frame deletion (p.Lys872del). To our knowledge, this variant has not been reported in the literature or in a large population database, indicating this variant is rare. At this time, the clinical significance of this variant is uncertain due to the absence of conclusive functional and genetic evidence.

NM_001367721.1(CASK):c.2629_2631del (p.Lys877del)

Genes: CASK (calcium/calmodulin dependent serine protein kinase; minus strand), CASK-AS1 (CASK antisense RNA 1; plus strand). Cytogenetic location: Xp11.4.
Variant type: Deletion.
Coding change: c.2629_2631del on transcript NM_001367721.1 (MANE Select); coding-DNA positions 2629 to 2631, 3 bases deleted (AAG; older notation c.2629_2631delAAG).
Protein change: p.Lys877del; deletes lysine 877.
Molecular consequence: inframe deletion.
Genome position (GRCh38, 1-based): chrX:41,520,570-41,520,572, CTT deleted on the plus strand (AAG on the coding strand, the reverse complement: CASK is on the minus strand); deleting any 3 consecutive bases within chrX:41,520,570-41,520,574 gives the same sequence; the c. name uses the placement nearest the transcript's 3' end. VCF-style (leftmost placement, unchanged base first): chrX-41520569-CCTT-C. GRCh37 (hg19) VCF-style: chrX-41379822-CCTT-C.
Other names: c.2545_2547del, p.Lys849del (NM_001126054.3); c.2542_2544del, p.Lys848del (NM_001126055.3); c.2611_2613del, p.Lys871del (NM_001410745.1); c.2614_2616del, p.Lys872del (NM_003688.4); short protein forms K848del, K849del, K871del, K872del, K877del.
Identifiers: ClinVar variation 2628483 (VCV002628483.2), dbSNP rs2519652412, ClinGen allele CA2693493024.
Genomic context (GRCh38, chrX:41,520,569, plus strand): 5'-CATTGTTGATAATTGTGAGATCGAAGTAGTGTGCATATGTTCTCTGTAAGATGTCAGACT[CCTT>C]CTGCAGACGCTGAAGAGATTCATCCTAAATGGTGATGAGATGGAGGTAGGGGTGGGCATG-3'